The following is an entry in ClinVar:

ClinVar aggregate classification (germline): Likely pathogenic. Review status: criteria provided, multiple submitters, no conflicts (2 of 4 stars). 5 submissions from 3 submitters: Likely pathogenic (2). 3 of the submissions do not count toward it. Last evaluated 2025-11-12.

Conditions:
Epidermolysis bullosa dystrophica. Also called: Dystrophic epidermolysis bullosa, Hallopeau-Siemens type (formerly); Dystrophic epidermolysis bullosa. Identifiers: Orphanet 303, MedGen C0079294, MONDO:0006543.
Epidermolysis bullosa pruriginosa. Also called: DEB, PRURIGINOSA; DYSTROPHIC EPIDERMOLYSIS BULLOSA PRURIGINOSA. Identifiers: Orphanet 89843, MedGen C1275114, MONDO:0011398, OMIM 604129.
Nonsyndromic congenital nail disorder 8. Also called: TOENAIL DYSTROPHY, ISOLATED. Identifiers: MedGen C1843761, MONDO:0011852, OMIM 607523.
Epidermolysis bullosa pruriginosa, autosomal dominant. Identifiers: MedGen C2675780.
Transient bullous dermolysis of the newborn (TBDN). Also called: DYSTROPHIC EPIDERMOLYSIS BULLOSA, NEONATAL; EPIDERMOLYSIS BULLOSA DYSTROPHICA, NEONATAL FORM. Identifiers: Orphanet 79411, MedGen C1851573, MONDO:0007548, OMIM 131705.

gnomAD v4.1: 1 of 1,614,022 alleles (0.000062%); highest among the groups gnomAD compares: Non-Finnish European, 0.000085%; no homozygotes.

Submissions (5):

Natera, Inc.
Classification: Likely pathogenic for Dystrophic epidermolysis bullosa. Last evaluated: 2025-11-12. Review status: criteria provided, single submitter. Criteria: Natera Variant Classification Schema (03/2026). Collection method: clinical testing. Allele origin: germline.
Comment: The c.6752G>A variant in COL7A1 is a missense variant predicted to cause substitution of glycine to glutamic acid at amino acid 2251. This variant is rare in the general population with a frequency below the threshold expected for the associated phenotype(s). This variant has been observed in one or more individuals affected with the associated recessive disease, as either homozygous or compound heterozygous with a second variant (PMID: 9856844). This variant is located in a functionally critical region of the protein. Computational prediction algorithms indicate this variant is likely to affect gene or protein function. Given the available evidence, this variant is classified as Likely Pathogenic.

Division of Genetic & Genomic Pathology, Hong Kong Children's Hospital
Classification: Likely pathogenic for Epidermolysis bullosa pruriginosa. Last evaluated: 2024-01-16. Review status: criteria provided, single submitter. Criteria: ACMG Guidelines, 2015. Collection method: clinical testing. Allele origin: germline. Affected: yes.
Comment: NM_000094.4(COL7A1):c.6752G>A p.(Gly2251Glu) is a missense variant affecting the first glycine position of the canonical Gly-X-Y repeat in the collagenous domain of the collagen type VII protein. It is absent in population databases (gnomAD v2.1.1, gnomAD v4.0.0). The variant has been detected in multiple patients of different ethnic groups affected by epidermolysis bullosa (PMID: 9856844, 17434045, 21448560, 28008652). In one publication, keratinocytes culture of the proband showed accumulation of procollagen VII in the rough endoplasmic reticulum (PMID: 9856844). The variant is reported in ClinVar as pathogenic (Accession: VCV000017436.1). Another variant affecting the same amino acid, p.(Gly2251Arg), is also reported in ClinVar as pathogenic (Accession: VCV000392725.2). Heterozygous glycine substitution in COL7A1 is more common than other variant types found in the dominant form of epidermolysis bullosa. For these reasons, the variant NM_000094.4(COL7A1):c.6752G>A p.(Gly2251Glu) is classified as likely pathogenic for the autosomal dominant form of COL7A1-related epidermolysis bullosa pruriginosa.

OMIM
Classification: Pathogenic for TRANSIENT BULLOUS DERMOLYSIS OF THE NEWBORN. Last evaluated: 2007-05-01. Review status: no assertion criteria provided. Collection method: literature only. Allele origin: germline. Not counted in ClinVar's aggregate classification.

OMIM
Classification: Pathogenic for NAIL DISORDER, NONSYNDROMIC CONGENITAL, 8. Last evaluated: 2007-05-01. Review status: no assertion criteria provided. Collection method: literature only. Allele origin: germline. Not counted in ClinVar's aggregate classification.

OMIM
Classification: Pathogenic for EPIDERMOLYSIS BULLOSA PRURIGINOSA, AUTOSOMAL DOMINANT. Last evaluated: 2007-05-01. Review status: no assertion criteria provided. Collection method: literature only. Allele origin: germline. Not counted in ClinVar's aggregate classification.

Literature cited by the submitters: PubMed 9856844 (cited by 3 submitters); PubMed 17434045 (cited by Division of Genetic & Genomic Pathology, Hong Kong Children's Hospital and OMIM); PubMed 21448560 (cited by Division of Genetic & Genomic Pathology, Hong Kong Children's Hospital); PubMed 28008652 (cited by Division of Genetic & Genomic Pathology, Hong Kong Children's Hospital).

NM_000094.4(COL7A1):c.6752G>A (p.Gly2251Glu)

Gene: COL7A1 (collagen type VII alpha 1 chain; minus strand). Cytogenetic location: 3p21.31.
Variant type: single nucleotide variant.
Coding change: c.6752G>A on transcript NM_000094.4 (MANE Select); coding-DNA position 6752, G replaced by A.
Protein change: p.Gly2251Glu; replaces glycine 2251 with glutamic acid.
Molecular consequence: missense variant.
Genome position (GRCh38, 1-based): chr3:48,572,941, C>T on the plus strand (G>A on the coding strand, the complement: COL7A1 is on the minus strand). VCF-style: chr3-48572941-C-T. GRCh37 (hg19) VCF-style: chr3-48610374-C-T.
Other names: c.6752G>A (NM_000094.3); short protein forms G2251E.
Identifiers: ClinVar variation 17436 (VCV000017436.3), dbSNP rs121912834, ClinGen allele CA127192.